The following is an entry in ClinVar:

NM_006846.4(SPINK5):c.*208C>G

Gene: SPINK5 (serine peptidase inhibitor Kazal type 5; plus strand). Cytogenetic location: 5q32.
Variant type: single nucleotide variant.
Coding change: c.*208C>G on transcript NM_006846.4 (MANE Select); 208 bases downstream of the stop codon, C replaced by G.
Molecular consequence: 3 prime UTR variant.
Genome position (GRCh38, 1-based): chr5:148,137,199, C>G. VCF-style: chr5-148137199-C-G. GRCh37 (hg19) VCF-style: chr5-147516762-C-G.
Other names: c.*208C>G (NM_001127698.2).
Identifiers: ClinVar variation 351549 (VCV000351549.8), dbSNP rs3088193, ClinGen allele CA10623083.
Genomic context (GRCh38, chr5:148,137,199, plus strand): 5'-ATTTTCAGTCTTTTCCATCTCTTTCCTCCTAGACTCTGTGATCTGAGGGTATAAAGACAT[C>G]TCCACCAAGTCTGAGCCCTCAAAATGTCCTGATTACAATGCTGTCTGTCCAACTGCCTGT-3'

ClinVar aggregate classification (germline): Benign. Review status: criteria provided, multiple submitters, no conflicts (2 of 4 stars). 2 submissions from 2 submitters: Benign (2). Last evaluated 2018-06-19.

Conditions:
Netherton syndrome (NETH). Also called: NETHERTON DISEASE; ERYTHRODERMA, ICHTHYOSIFORM, WITH HYPOTRICHOSIS AND HYPER-IgE; COMEL-NETHERTON SYNDROME. Identifiers: Orphanet 634, MedGen C5574950, MONDO:0009735, OMIM 256500.

Allele frequency attached by ClinVar (database versions not stated): gnomAD exomes 0.39578; gnomAD 0.43751 and 0.43860; TOPMed 0.44173; 1000 Genomes Project 30x 0.49001; 1000 Genomes Project 0.49101.
gnomAD v4.1: 259,510 of 638,660 alleles (41%); highest among the groups gnomAD compares: African/African-American, 58%; 55,654 homozygotes.

Submissions (2):

GeneDx
Classification: Benign. Last evaluated: 2018-06-19. Review status: criteria provided, single submitter. Criteria: GeneDx Variant Classification Process June 2021. Collection method: clinical testing. Allele origin: germline. Affected: yes.

Illumina Laboratory Services, Illumina
Classification: Benign for Netherton syndrome. Last evaluated: 2018-01-13. Review status: criteria provided, single submitter. Criteria: ICSL Variant Classification Criteria 13 December 2019. Collection method: clinical testing. Allele origin: germline.
Comment: This variant was observed in the ICSL laboratory as part of a predisposition screen in an ostensibly healthy population. It had not been previously curated by ICSL or reported in the Human Gene Mutation Database (HGMD: prior to June 1st, 2018), and was therefore a candidate for classification through an automated scoring system. Utilizing variant allele frequency, disease prevalence and penetrance estimates, and inheritance mode, an automated score was calculated to assess if this variant is too frequent to cause the disease. Based on the score and internal cut-off values, a variant classified as benign is not then subjected to further curation. The score for this variant resulted in a classification of benign for this disease.